The following is an entry in ClinVar:

NM_000969.5(RPL5):c.1A>G (p.Met1Val)

Gene: RPL5 (ribosomal protein L5; plus strand). Cytogenetic location: 1p22.1.
Variant type: single nucleotide variant.
Coding change: c.1A>G on transcript NM_000969.5 (MANE Select); coding-DNA position 1, A replaced by G.
Protein change: p.Met1Val; changes the start codon (methionine 1).
Molecular consequence: missense variant, initiator codon variant. On other transcripts: non-coding transcript variant (1).
Genome position (GRCh38, 1-based): chr1:92,832,115, A>G. VCF-style: chr1-92832115-A-G. GRCh37 (hg19) VCF-style: chr1-93297672-A-G.
Other names: short protein forms M1V.
Identifiers: ClinVar variation 1700812 (VCV001700812.3), dbSNP rs2100672432, ClinGen allele CA341240572.

ClinVar aggregate classification (germline): Pathogenic (1 of 4 stars; one submission).

Submission:

GeneDx
Classification: Pathogenic. Last evaluated: 2022-02-04. Review status: criteria provided, single submitter. Criteria: GeneDx Variant Classification Process June 2021. Collection method: clinical testing. Allele origin: germline. Affected: yes.
Comment: Observed in a patient with Diamond-Blackfan anemia in published literature (Boria et al., 2010); Initiation codon variant in a gene for which loss-of-function is a known mechanism of disease; Not observed at significant frequency in large population cohorts (gnomAD); This variant is associated with the following publications: (PMID: 20960466)